The following is an entry in ClinVar:

NM_025130.4(HKDC1):c.1234A>G (p.Met412Val)

Gene: HKDC1 (hexokinase domain containing 1; plus strand). Cytogenetic location: 10q22.1.
Variant type: single nucleotide variant.
Coding change: c.1234A>G on transcript NM_025130.4 (MANE Select); coding-DNA position 1234, A replaced by G.
Protein change: p.Met412Val; replaces methionine 412 with valine.
Molecular consequence: missense variant.
Genome position (GRCh38, 1-based): chr10:69,247,562, A>G. VCF-style: chr10-69247562-A-G. GRCh37 (hg19) VCF-style: chr10-71007318-A-G.
Other names: short protein forms M412V.
Identifiers: ClinVar variation 4854252 (VCV004854252.1).
Genomic context (GRCh38, chr10:69,247,562, plus strand): 5'-GCCATCCTGACACGCCTCCGGGAGAACAAGAAGGTGGAACGGCTCCGGACCACAGTGGGC[A>G]TGGACGGCACCCTCTACAAGATACACCCTCAGTGAGTGCTGCCTGCCATCCACGCCCCCA-3'
Protein context (NP_079406.4, residues 402-422): KVERLRTTVG[Met412Val]DGTLYKIHPQ

ClinVar aggregate classification (germline): Uncertain significance (1 of 4 stars; one submission).

Conditions:
Retinitis pigmentosa 92. Identifiers: MedGen C5562022, MONDO:0030619, OMIM 619614.

gnomAD v4.1: 9 of 1,614,136 alleles (0.00056%); highest among the groups gnomAD compares: South Asian, 0.0022%; no homozygotes.

Submission:

3billion
Classification: Uncertain significance for Retinitis pigmentosa 92. Last evaluated: 2025-10-28. Review status: criteria provided, single submitter. Criteria: ACMG Guidelines, 2015. Collection method: clinical testing. Allele origin: germline. Affected: yes.
Comment: The variant is observed at an extremely low frequency in the gnomAD v4.1.0 dataset (total allele frequency: <0.001%). Predicted Consequence/Location: Missense variant Damaging effect on gene or gene product predicted by in silico programs is uncertain [3Cnet: 0.43 (damaging >0.75, benign <0.1)]. Different missense changes at the same codon have been reported as of uncertain significance (ClinVar ID: VCV004271161). Therefore, this variant is classified as VUS according to the recommendation of ACMG/AMP guideline.